The following is an entry in ClinVar:

ClinVar aggregate classification (germline): Conflicting classifications of pathogenicity. Review status: criteria provided, conflicting classifications (1 of 4 stars). 2 submissions from 2 submitters: Uncertain significance (1); Likely benign (1). Last evaluated 2023-03-24.

Conditions:
Cardiovascular phenotype. Identifiers: MedGen CN230736.
Long QT syndrome (LQTS). Identifiers: MedGen C0023976, MeSH D008133, MONDO:0002442. Disease mechanism: loss of function. Inheritance: Various modes of inheritance.

Allele frequency attached by ClinVar (database versions not stated): gnomAD exomes below 0.00001; TOPMed below 0.00001; gnomAD 0.00001.
gnomAD v4.1: 3 of 1,613,968 alleles (0.00019%); highest among the groups gnomAD compares: African/African-American, 0.0027%; no homozygotes.

Submissions (2):

Ambry Genetics
Classification: Likely benign for Cardiovascular phenotype. Last evaluated: 2023-03-24. Review status: criteria provided, single submitter. Criteria: Ambry Variant Classification Scheme 2023. Collection method: clinical testing. Allele origin: germline.

Labcorp Genetics (formerly Invitae), Labcorp
Classification: Uncertain significance for Long QT syndrome. Last evaluated: 2022-06-03. Review status: criteria provided, single submitter. Criteria: Invitae Variant Classification Sherloc (09022015). Collection method: clinical testing. Allele origin: germline.
Comment: In summary, the available evidence is currently insufficient to determine the role of this variant in disease. Therefore, it has been classified as a Variant of Uncertain Significance. Algorithms developed to predict the effect of missense changes on protein structure and function output the following: SIFT: "Tolerated"; PolyPhen-2: "Benign"; Align-GVGD: "Class C0". The threonine amino acid residue is found in multiple mammalian species, which suggests that this missense change does not adversely affect protein function. This variant has not been reported in the literature in individuals affected with ANK2-related conditions. This variant is present in population databases (no rsID available, gnomAD 0.007%). This sequence change replaces alanine, which is neutral and non-polar, with threonine, which is neutral and polar, at codon 3380 of the ANK2 protein (p.Ala3380Thr).

NM_001148.6(ANK2):c.10138G>A (p.Ala3380Thr)

Gene: ANK2 (ankyrin 2; plus strand). Cytogenetic location: 4q26.
Variant type: single nucleotide variant.
Coding change: c.10138G>A on transcript NM_001148.6 (MANE Select); coding-DNA position 10138, G replaced by A.
Protein change: p.Ala3380Thr; replaces alanine 3380 with threonine.
Molecular consequence: missense variant. On other transcripts: intron variant (68).
Genome position (GRCh38, 1-based): chr4:113,358,756, G>A. VCF-style: chr4-113358756-G-A. GRCh37 (hg19) VCF-style: chr4-114279912-G-A.
Other names: c.9904G>A, p.Ala3302Thr (NM_001386142.1); c.6538G>A, p.Ala2180Thr (NM_001386166.1); c.10279G>A, p.Ala3427Thr (NM_001386174.1); c.10255G>A, p.Ala3419Thr (NM_001386175.1); c.4412-2067G>A (NM_001386186.2, NM_001386148.2); c.4214-2067G>A (NM_001354269.3); c.4292-2067G>A (NM_001386187.2); c.4253-2067G>A (NM_001386147.1); and 35 more; short protein forms A2180T, A3427T, A3419T, A3302T, A3380T.
Identifiers: ClinVar variation 1735672 (VCV001735672.7), dbSNP rs1214453791, ClinGen allele CA357939765.